The following is an entry in ClinVar:

NM_018130.3(SHQ1):c.874G>A (p.Glu292Lys)

Gene: SHQ1 (SHQ1, H/ACA ribonucleoprotein assembly factor; minus strand). Cytogenetic location: 3p13.
Variant type: single nucleotide variant.
Coding change: c.874G>A on transcript NM_018130.3 (MANE Select); coding-DNA position 874, G replaced by A.
Protein change: p.Glu292Lys; replaces glutamic acid 292 with lysine.
Molecular consequence: missense variant.
Genome position (GRCh38, 1-based): chr3:72,817,238, C>T on the plus strand (G>A on the coding strand, the complement: SHQ1 is on the minus strand). VCF-style: chr3-72817238-C-T. GRCh37 (hg19) VCF-style: chr3-72866389-C-T.
Other names: short protein forms E292K.
Identifiers: ClinVar variation 1693527 (VCV001693527.2), dbSNP rs1420754646, ClinGen allele CA353566973.

ClinVar aggregate classification (germline): Uncertain significance. Review status: criteria provided, single submitter (1 of 4 stars). 2 submissions from 2 submitters: Uncertain significance (1). 1 of the submissions does not count toward it. Last evaluated 2024-12-10.

Conditions:
Neurodevelopmental disorder with dystonia and seizures (NEDDS). Identifiers: MedGen C5677004, MONDO:0859258, OMIM 619922.

Allele frequency attached by ClinVar (database versions not stated): gnomAD exomes below 0.00001; TOPMed 0.00001.
gnomAD v4.1: 2 of 1,612,688 alleles (0.00012%); highest among the groups gnomAD compares: Non-Finnish European, 0.00017%; no homozygotes.

Submissions (2):

GeneDx
Classification: Uncertain significance. Last evaluated: 2024-12-10. Review status: criteria provided, single submitter. Criteria: GeneDx Variant Classification Process June 2021. Collection method: clinical testing. Allele origin: germline. Affected: yes.
Comment: Not observed at significant frequency in large population cohorts (gnomAD); In silico analysis supports that this missense variant has a deleterious effect on protein structure/function; This variant is associated with the following publications: (PMID: 38482315, 36810590, 39326821, 36847845, 34542157)

OMIM
Classification: Pathogenic for NEURODEVELOPMENTAL DISORDER WITH DYSTONIA AND SEIZURES. Last evaluated: 2022-06-23. Review status: no assertion criteria provided. Collection method: literature only. Allele origin: germline. Not counted in ClinVar's aggregate classification.

Literature cited by the submitters: PubMed 34542157 (cited by OMIM).